The following is an entry in ClinVar:

ClinVar aggregate classification (germline): Conflicting classifications of pathogenicity. Review status: criteria provided, conflicting classifications (1 of 4 stars). 8 submissions from 8 submitters: Uncertain significance (1); Likely benign (7). Last evaluated 2026-01-14.

Conditions:
Familial colorectal cancer type X. Identifiers: Orphanet 440437, MedGen C3896578, MONDO:0018604.
Hereditary cancer-predisposing syndrome. Also called: Neoplastic Syndromes, Hereditary; Tumor predisposition; Hereditary Cancer Syndrome; Hereditary neoplastic syndrome. Identifiers: Orphanet 140162, MedGen C0027672, MeSH D009386, MONDO:0015356.

Allele frequency attached by ClinVar (database versions not stated): gnomAD 0.00009 and 0.00007; 1000 Genomes Project 30x 0.00016; 1000 Genomes Project 0.00020; gnomAD exomes 0.00003; TOPMed 0.00003; ExAC 0.00004; ESP Exome Variant Server 0.00008.
gnomAD v4.1: 26 of 1,568,268 alleles (0.0017%); highest among the groups gnomAD compares: African/African-American, 0.02%; no homozygotes.

Submissions (8):

Labcorp Genetics (formerly Invitae), Labcorp
Classification: Likely benign. Last evaluated: 2026-01-14. Review status: criteria provided, single submitter. Criteria: Invitae Variant Classification Sherloc (09022015). Collection method: clinical testing. Allele origin: germline.

Blueprint Genetics
Classification: Likely benign. Last evaluated: 2024-04-04. Review status: criteria provided, single submitter. Criteria: ACMG Guidelines, 2015. Collection method: clinical testing. Allele origin: germline.

Department of Pathology and Laboratory Medicine, Sinai Health System
Classification: Uncertain significance for Familial colorectal cancer type X. Last evaluated: 2022-03-08. Review status: criteria provided, single submitter. Criteria: ACMG Guidelines, 2015. Collection method: clinical testing. Allele origin: germline. Affected: yes.

GeneDx
Classification: Likely benign. Last evaluated: 2021-03-18. Review status: criteria provided, single submitter. Criteria: GeneDx Variant Classification Process June 2021. Collection method: clinical testing. Allele origin: germline. Affected: yes.

Sema4
Classification: Likely benign for Hereditary cancer-predisposing syndrome. Last evaluated: 2020-09-16. Review status: criteria provided, single submitter. Criteria: Sema4 Curation Guidelines. Collection method: curation. Allele origin: germline.

Women's Health and Genetics/Laboratory Corporation of America, LabCorp
Classification: Likely benign. Last evaluated: 2019-04-01. Review status: criteria provided, single submitter. Criteria: LabCorp Variant Classification Summary - May 2015. Collection method: clinical testing. Allele origin: germline.
Comment: Variant summary: POLE c.2172G>A (p.Ala724Ala) alters a non-conserved nucleotide located close to a canonical splice site and therefore could affect mRNA splicing, leading to a significantly altered protein sequence. 5/5 computational tools predict no significant impact on normal splicing. However, these predictions have yet to be confirmed by functional studies. The variant allele was found at a frequency of 4.5e-05 in 244514 control chromosomes (gnomAD). The observed variant frequency is approximately 3 fold of the estimated maximal expected allele frequency for a pathogenic variant in POLE causing Colorectal Cancer phenotype (1.4e-05), strongly suggesting that the variant is benign. To our knowledge, no occurrence of c.2172G>A in individuals affected with Colorectal Cancer and no experimental evidence demonstrating its impact on protein function have been reported. Three clinical diagnostic laboratories have submitted clinical-significance assessments for this variant to ClinVar after 2014 without evidence for independent evaluation (1x VUS, 2x likely benign). Based on the evidence outlined above, the variant was classified as likely benign.

Quest Diagnostics Nichols Institute San Juan Capistrano
Classification: Likely benign. Last evaluated: 2017-09-12. Review status: criteria provided, single submitter. Criteria: Quest Diagnostics criteria. Collection method: clinical testing. Allele origin: germline.

Ambry Genetics
Classification: Likely benign for Hereditary cancer-predisposing syndrome. Last evaluated: 2015-09-02. Review status: criteria provided, single submitter. Criteria: Ambry Variant Classification Scheme 2023. Collection method: clinical testing. Allele origin: germline.

NM_006231.4(POLE):c.2172G>A (p.Ala724=)

Gene: POLE (DNA polymerase epsilon, catalytic subunit; minus strand). Cytogenetic location: 12q24.33.
Variant type: single nucleotide variant.
Coding change: c.2172G>A on transcript NM_006231.4 (MANE Select); coding-DNA position 2172, G replaced by A.
Protein change: p.Ala724=; no amino-acid change (alanine 724 retained).
Molecular consequence: synonymous variant.
Genome position (GRCh38, 1-based): chr12:132,668,357, C>T on the plus strand (G>A on the coding strand, the complement: POLE is on the minus strand). VCF-style: chr12-132668357-C-T. GRCh37 (hg19) VCF-style: chr12-133244943-C-T.
Identifiers: ClinVar variation 405837 (VCV000405837.25), dbSNP rs372240734, ClinGen allele CA6893661.